The following is an entry in ClinVar:

NM_000321.3(RB1):c.1742G>T (p.Gly581Val)

Gene: RB1 (RB transcriptional corepressor 1; plus strand). Cytogenetic location: 13q14.2.
Variant type: single nucleotide variant.
Coding change: c.1742G>T on transcript NM_000321.3 (MANE Select); coding-DNA position 1742, G replaced by T.
Protein change: p.Gly581Val; replaces glycine 581 with valine.
Molecular consequence: missense variant.
Genome position (GRCh38, 1-based): chr13:48,453,039, G>T. VCF-style: chr13-48453039-G-T. GRCh37 (hg19) VCF-style: chr13-49027175-G-T.
Other names: c.1742G>T, p.Gly581Val (NM_001407165.1); short protein forms G581V.
Identifiers: ClinVar variation 2911100 (VCV002911100.5), dbSNP rs1350821464, ClinGen allele CA388165521.

ClinVar aggregate classification (germline): Uncertain significance. Review status: criteria provided, multiple submitters, no conflicts (2 of 4 stars). 2 submissions from 2 submitters: Uncertain significance (2). Last evaluated 2025-10-09.

Conditions:
Hereditary cancer-predisposing syndrome. Also called: Hereditary Cancer Syndrome; Tumor predisposition; Hereditary neoplastic syndrome; Neoplastic Syndromes, Hereditary. Identifiers: Orphanet 140162, MedGen C0027672, MeSH D009386, MONDO:0015356.
Retinoblastoma (RB1). Also called: RETINOBLASTOMA, SOMATIC. Identifiers: Orphanet 790, MedGen C0035335, MeSH D012175, MONDO:0008380, OMIM 180200, HP:0009919. Disease mechanism: loss of function. Inheritance: Both sporadic and heritable forms are tested..

Allele frequency attached by ClinVar (database versions not stated): TOPMed below 0.00001.
gnomAD v4.1: 5 of 1,613,126 alleles (0.00031%); highest among the groups gnomAD compares: Non-Finnish European, 0.00042%; no homozygotes.

Submissions (2):

Ambry Genetics
Classification: Uncertain significance for Hereditary cancer-predisposing syndrome. Last evaluated: 2025-10-09. Review status: criteria provided, single submitter. Criteria: Ambry Variant Classification Scheme 2023. Collection method: clinical testing. Allele origin: germline.
Comment: The p.G581V variant (also known as c.1742G>T), located in coding exon 18 of the RB1 gene, results from a G to T substitution at nucleotide position 1742. The glycine at codon 581 is replaced by valine, an amino acid with dissimilar properties. This amino acid position is conserved. In addition, this alteration is predicted to be deleterious by in silico analysis. Since supporting evidence is limited at this time, the clinical significance of this alteration remains unclear.

Labcorp Genetics (formerly Invitae), Labcorp
Classification: Uncertain significance for Retinoblastoma. Last evaluated: 2024-05-31. Review status: criteria provided, single submitter. Criteria: Invitae Variant Classification Sherloc (09022015). Collection method: clinical testing. Allele origin: germline.
Comment: This sequence change replaces glycine, which is neutral and non-polar, with valine, which is neutral and non-polar, at codon 581 of the RB1 protein (p.Gly581Val). This variant is not present in population databases (gnomAD no frequency). This variant has not been reported in the literature in individuals affected with RB1-related conditions. Advanced modeling of protein sequence and biophysical properties (such as structural, functional, and spatial information, amino acid conservation, physicochemical variation, residue mobility, and thermodynamic stability) performed at Invitae indicates that this missense variant is not expected to disrupt RB1 protein function with a negative predictive value of 80%. In summary, the available evidence is currently insufficient to determine the role of this variant in disease. Therefore, it has been classified as a Variant of Uncertain Significance.